The following is an entry in ClinVar:

NM_001103.4(ACTN2):c.2452A>G (p.Met818Val)

Gene: ACTN2 (actinin alpha 2; plus strand). Cytogenetic location: 1q43.
Variant type: single nucleotide variant.
Coding change: c.2452A>G on transcript NM_001103.4 (MANE Select); coding-DNA position 2452, A replaced by G.
Protein change: p.Met818Val; replaces methionine 818 with valine.
Molecular consequence: missense variant.
Genome position (GRCh38, 1-based): chr1:236,761,099, A>G. VCF-style: chr1-236761099-A-G. GRCh37 (hg19) VCF-style: chr1-236924399-A-G.
Other names: c.2452A>G, p.Met818Val (NM_001278343.2); c.1828A>G, p.Met610Val (NM_001278344.2); c.1702A>G, p.Met568Val (NM_001412150.1); short protein forms M568V, M818V, M610V.
Identifiers: ClinVar variation 1791506 (VCV001791506.2), dbSNP rs779528747, ClinGen allele CA1473449.

ClinVar aggregate classification (germline): Uncertain significance (1 of 4 stars; one submission).

Conditions:
Cardiovascular phenotype. Identifiers: MedGen CN230736.

Allele frequency attached by ClinVar (database versions not stated): gnomAD exomes below 0.00001; ExAC 0.00001.
gnomAD v4.1: 1 of 1,614,124 alleles (0.000062%); highest among the groups gnomAD compares: East Asian, 0.0022%; no homozygotes.

Submission:

Ambry Genetics
Classification: Uncertain significance for Cardiovascular phenotype. Last evaluated: 2019-07-24. Review status: criteria provided, single submitter. Criteria: Ambry Variant Classification Scheme 2023. Collection method: clinical testing. Allele origin: germline.
Comment: The p.M818V variant (also known as c.2452A>G), located in coding exon 20 of the ACTN2 gene, results from an A to G substitution at nucleotide position 2452. The methionine at codon 818 is replaced by valine, an amino acid with highly similar properties. This amino acid position is highly conserved in available vertebrate species. In addition, the in silico prediction for this alteration is inconclusive. Since supporting evidence is limited at this time, the clinical significance of this alteration remains unclear.